The following is an entry in ClinVar:

ClinVar aggregate classification (germline): Uncertain significance (1 of 4 stars; one submission).

gnomAD v4.1: 2 of 1,614,096 alleles (0.00012%); highest among the groups gnomAD compares: African/African-American, 0.0027%; no homozygotes.

Submission:

Labcorp Genetics (formerly Invitae), Labcorp
Classification: Uncertain significance. Last evaluated: 2024-12-18. Review status: criteria provided, single submitter. Criteria: Invitae Variant Classification Sherloc (09022015). Collection method: clinical testing. Allele origin: germline.
Comment: This sequence change replaces threonine, which is neutral and polar, with isoleucine, which is neutral and non-polar, at codon 347 of the BUB1 protein (p.Thr347Ile). This variant is not present in population databases (gnomAD no frequency). This variant has not been reported in the literature in individuals affected with BUB1-related conditions. Experimental studies and prediction algorithms are not available or were not evaluated, and the functional significance of this variant is currently unknown. In summary, the available evidence is currently insufficient to determine the role of this variant in disease. Therefore, it has been classified as a Variant of Uncertain Significance.

NM_004336.5(BUB1):c.1040C>T (p.Thr347Ile)

Gene: BUB1 (BUB1 mitotic checkpoint serine/threonine kinase; minus strand). Cytogenetic location: 2q13.
Variant type: single nucleotide variant.
Coding change: c.1040C>T on transcript NM_004336.5 (MANE Select); coding-DNA position 1040, C replaced by T.
Protein change: p.Thr347Ile; replaces threonine 347 with isoleucine.
Molecular consequence: missense variant.
Genome position (GRCh38, 1-based): chr2:110,661,759, G>A on the plus strand (C>T on the coding strand, the complement: BUB1 is on the minus strand). VCF-style: chr2-110661759-G-A. GRCh37 (hg19) VCF-style: chr2-111419336-G-A.
Other names: c.980C>T, p.Thr327Ile (NM_001278616.2); c.1040C>T, p.Thr347Ile (NM_001278617.2); short protein forms T347I, T327I.
Identifiers: ClinVar variation 3633432 (VCV003633432.2).